The following is an entry in ClinVar:

NM_001042492.3(NF1):c.1527+1159C>T

Gene: NF1 (neurofibromin 1; plus strand). Cytogenetic location: 17q11.2.
Variant type: single nucleotide variant.
Coding change: c.1527+1159C>T on transcript NM_001042492.3 (MANE Select); 1159 bases into the intron after coding-DNA position 1527, C replaced by T.
Molecular consequence: intron variant.
Genome position (GRCh38, 1-based): chr17:31,215,744, C>T. VCF-style: chr17-31215744-C-T. GRCh37 (hg19) VCF-style: chr17-29542762-C-T.
Other names: c.1527+1159C>T (NM_000267.4, NM_001128147.3).
Identifiers: ClinVar variation 237518 (VCV000237518.45), dbSNP rs878853868, ClinGen allele CA10583473.

ClinVar aggregate classification (germline): Pathogenic/Likely pathogenic. Review status: criteria provided, multiple submitters, no conflicts (2 of 4 stars). 6 submissions from 6 submitters: Pathogenic (3); Likely pathogenic (3). Last evaluated 2025-08-24.

Conditions:
Multiple congenital anomalies/dysmorphic syndrome-intellectual disability. Identifiers: Orphanet 102283, MedGen C5680372, MONDO:0015159.
Neurofibromatosis, type 1 (NF1). Also called: Peripheral type neurofibromatosis; Neurofibromatosis, type I; VON RECKLINGHAUSEN DISEASE; NEUROFIBROMATOSIS, TYPE I, SOMATIC. Identifiers: Orphanet 636, MedGen C0027831, MONDO:0018975, OMIM 162200. Disease mechanism: loss of function.

Submissions (6):

Labcorp Genetics (formerly Invitae), Labcorp
Classification: Pathogenic for Neurofibromatosis, type 1. Last evaluated: 2025-08-24. Review status: criteria provided, single submitter. Criteria: Invitae Variant Classification Sherloc (09022015). Collection method: clinical testing. Allele origin: germline.
Comment: This sequence change falls in intron 13 of the NF1 gene. It does not directly change the encoded amino acid sequence of the NF1 protein. RNA analysis indicates that this variant induces altered splicing and may result in an absent or altered protein product. This variant is not present in population databases (gnomAD no frequency). This variant has been observed in individual(s) with neurofibromatosis type 1 (PMID: 17311297; internal data). Invitae Evidence Modeling of clinical and family history, age, sex, and reported ancestry of multiple individuals with this NF1 variant has been performed. This variant is expected to be pathogenic with a positive predictive value of at least 99%. This is a validated machine learning model that incorporates the clinical features of 1,785,918 individuals referred to our laboratory for NF1 testing. ClinVar contains an entry for this variant (Variation ID: 237518). Studies have shown that this variant results in insertion of a cryptic exon, and produces a non-functional protein and/or introduces a premature termination codon (PMID: 17311297, 18546366). For these reasons, this variant has been classified as Pathogenic.

GeneDx
Classification: Likely pathogenic. Last evaluated: 2024-05-21. Review status: criteria provided, single submitter. Criteria: GeneDx Variant Classification Process June 2021. Collection method: clinical testing. Allele origin: germline. Affected: yes.
Comment: Published functional studies demonstrate a damaging effect: results in protein truncation due to activation of a cryptic donor site (PMID: 18546366, 17311297); In silico analysis suggests this variant may impact gene splicing.; This variant is associated with the following publications: (PMID: 18546366, 19823873, 17311297)

AURAGEN, Plan France Médecine Génomique
Classification: Pathogenic for Multiple congenital anomalies/dysmorphic syndrome-intellectual disability. Last evaluated: 2022-04-14. Review status: criteria provided, single submitter. Criteria: PFMG2025 (Lancet Reg Health Eur. 2025). Collection method: clinical testing. Allele origin: germline. Affected: yes.

Genome-Nilou Lab
Classification: Likely pathogenic for Neurofibromatosis, type 1. Last evaluated: 2022-03-15. Review status: criteria provided, single submitter. Criteria: ACMG Guidelines, 2015. Collection method: clinical testing. Allele origin: germline. Affected: no.

CeGaT Center for Human Genetics Tuebingen
Classification: Pathogenic. Last evaluated: 2021-11-01. Review status: criteria provided, single submitter. Criteria: CeGaT Center For Human Genetics Tuebingen Variant Classification Criteria Version 2. Collection method: clinical testing. Allele origin: germline. Affected: yes. Observed: 1 variant allele.

Department of Pathology and Laboratory Medicine, Sinai Health System
Classification: Likely pathogenic for neurofibromatosis type 1. Review status: criteria provided, single submitter. Criteria: ACMG Guidelines, 2015. Collection method: clinical testing. Allele origin: germline.

Literature cited by the submitters: PubMed 17311297 (cited by Labcorp Genetics (formerly Invitae), Labcorp); PubMed 18546366 (cited by Labcorp Genetics (formerly Invitae), Labcorp).